The following is an entry in ClinVar:

NM_004415.4(DSP):c.7213C>T (p.Leu2405Phe)

Gene: DSP (desmoplakin; plus strand). Cytogenetic location: 6p24.3.
Variant type: single nucleotide variant.
Coding change: c.7213C>T on transcript NM_004415.4 (MANE Select); coding-DNA position 7213, C replaced by T.
Protein change: p.Leu2405Phe; replaces leucine 2405 with phenylalanine.
Molecular consequence: missense variant.
Genome position (GRCh38, 1-based): chr6:7,584,475, C>T. VCF-style: chr6-7584475-C-T. GRCh37 (hg19) VCF-style: chr6-7584708-C-T.
Other names: c.5416C>T, p.Leu1806Phe (NM_001008844.3); c.5884C>T, p.Leu1962Phe (NM_001319034.2); short protein forms L1962F, L2405F, L1806F.
Identifiers: ClinVar variation 923165 (VCV000923165.14), dbSNP rs774401264, ClinGen allele CA362692492.

ClinVar aggregate classification (germline): Uncertain significance. Review status: criteria provided, multiple submitters, no conflicts (2 of 4 stars). 2 submissions from 2 submitters: Uncertain significance (2). Last evaluated 2024-03-06.

Conditions:
Arrhythmogenic right ventricular dysplasia 8 (ARVD8). Also called: Arrhythmogenic Right Ventricular Dysplasia/Cardiomyopathy 8; ARRHYTHMOGENIC RIGHT VENTRICULAR DYSPLASIA, FAMILIAL, 8; ARRHYTHMOGENIC RIGHT VENTRICULAR CARDIOMYOPATHY 8. Identifiers: MedGen C1843896, MONDO:0011831, OMIM 607450.
Arrhythmogenic cardiomyopathy with wooly hair and keratoderma. Also called: PALMOPLANTAR KERATODERMA WITH LEFT VENTRICULAR CARDIOMYOPATHY AND WOOLLY HAIR; Carvajal syndrome; Dilated cardiomyopathy with woolly hair and keratoderma; Arrhythmogenic cardiomyopathy with woolly hair and keratoderma. Identifiers: Orphanet 65282, MedGen C1854063, MONDO:0011581, OMIM 605676.
Cardiomyopathy (CMYO). Also called: Cardiomyopathies. Identifiers: Orphanet 167848, MedGen C0878544, MONDO:0004994, HP:0001638. Inheritance: Various modes of inheritance.

Submissions (2):

Color Diagnostics, LLC DBA Color Health
Classification: Uncertain significance for Cardiomyopathy. Last evaluated: 2024-03-06. Review status: criteria provided, single submitter. Criteria: ACMG Guidelines, 2015. Collection method: clinical testing. Allele origin: germline.
Comment: This missense variant replaces leucine with phenylalanine at codon 2405 of the DSP protein. Computational prediction tool suggests that this variant may have deleterious impact on protein structure and function (internally defined REVEL score threshold >=0.7, PMID: 27666373). Splice site prediction tools suggest that this variant may not impact RNA splicing. To our knowledge, functional studies have not been performed for this variant. This variant has not been reported in individuals affected with cardiovascular disorders in the literature. This variant has not been identified in the general population by the Genome Aggregation Database (gnomAD). The available evidence is insufficient to determine the role of this variant in disease conclusively. Therefore, this variant is classified as a Variant of Uncertain Significance.

Labcorp Genetics (formerly Invitae), Labcorp
Classification: Uncertain significance for Arrhythmogenic cardiomyopathy with wooly hair and keratoderma; Arrhythmogenic right ventricular dysplasia 8. Last evaluated: 2019-10-03. Review status: criteria provided, single submitter. Criteria: Invitae Variant Classification Sherloc (09022015). Collection method: clinical testing. Allele origin: germline.
Comment: This variant is not present in population databases (ExAC no frequency). In summary, the available evidence is currently insufficient to determine the role of this variant in disease. Therefore, it has been classified as a Variant of Uncertain Significance. Algorithms developed to predict the effect of missense changes on protein structure and function are either unavailable or do not agree on the potential impact of this missense change (SIFT: "Deleterious"; PolyPhen-2: "Probably Damaging"; Align-GVGD: "Class C15"). This variant has not been reported in the literature in individuals with DSP-related conditions. This sequence change replaces leucine with phenylalanine at codon 2405 of the DSP protein (p.Leu2405Phe). The leucine residue is highly conserved and there is a small physicochemical difference between leucine and phenylalanine.